The following is an entry in ClinVar:

NC_012920.1(MT-CO3):m.9270C>T

Gene: MT-CO3 (mitochondrially encoded cytochrome c oxidase III; plus strand).
Variant type: single nucleotide variant.
Genome position: chrM-9270-C-T.
Identifiers: ClinVar variation 693135 (VCV000693135.1), dbSNP rs1603222205, ClinGen allele CA414802570.

ClinVar aggregate classification (germline): Likely benign (1 of 4 stars; one submission).

Conditions:
Leigh syndrome (NULS). Also called: Leigh's necrotizing encephalopathy; Leigh's disease; Leigh Syndrome (mtDNA deletion); Leigh Disease; Subacute necrotizing encephalopathy; Necrotizing encephalopathy infantile subacute of Leigh. Identifiers: Orphanet 506, MedGen C2931891, MONDO:0009723, OMIM 256000.

Submission:

Wong Mito Lab, Molecular and Human Genetics, Baylor College of Medicine
Classification: Likely benign for Leigh syndrome. Last evaluated: 2019-10-17. Review status: criteria provided, single submitter. Criteria: Modified ACMG Guidelines (Unpublished). Collection method: clinical testing. Allele origin: germline.
Comment: The NC_012920.1:m.9270C>T (YP_003024032.1:p.Leu22Phe) variant in MTCO3 gene is interpretated to be a Likely Benign variant based on the modified ACMG guidelines (unpublished). This variant meets the following evidence codes: BS1, BP4